The following is an entry in ClinVar:

NM_182961.4(SYNE1):c.24776T>C (p.Leu8259Pro)

Gene: SYNE1 (spectrin repeat containing nuclear envelope protein 1; minus strand). Cytogenetic location: 6q25.2.
Variant type: single nucleotide variant.
Coding change: c.24776T>C on transcript NM_182961.4 (MANE Select); coding-DNA position 24776, T replaced by C.
Protein change: p.Leu8259Pro; replaces leucine 8259 with proline.
Molecular consequence: missense variant.
Genome position (GRCh38, 1-based): chr6:152,148,245, A>G on the plus strand (T>C on the coding strand, the complement: SYNE1 is on the minus strand). VCF-style: chr6-152148245-A-G. GRCh37 (hg19) VCF-style: chr6-152469380-A-G.
Other names: c.1382T>C, p.Leu461Pro (NM_001347701.2); c.1241T>C, p.Leu414Pro (NM_001347702.2); c.24563T>C, p.Leu8188Pro (NM_033071.5); short protein forms L414P, L461P, L8188P, L8259P.
Identifiers: ClinVar variation 3753195 (VCV003753195.2).
Genomic context (GRCh38, chr6:152,148,245, plus strand): 5'-TCCACACTAGCCGGGGTGTCTCGTCCTGACCGCTCGCTCCGGAGGGGCTGAGCGAGCGAG[A>G]GGGAGAGATTGGAGGAAGGCTGTGGAGAAAGCAGGCTGTCTGCAGAGCGGTCGTGCCAGT-3'
Protein context (NP_892006.3, residues 8249-8269): LSPQPSSNLS[Leu8259Pro]SLAQPLRSER

ClinVar aggregate classification (germline): Uncertain significance (1 of 4 stars; one submission).

Conditions:
Emery-Dreifuss muscular dystrophy 4, autosomal dominant (EDMD4). Also called: EMERY-DREIFUSS MUSCULAR DYSTROPHY 4 WITH VARIABLE FEATURES. Identifiers: Orphanet 261, MedGen C2751807, MONDO:0013071, OMIM 612998.
Autosomal recessive ataxia, Beauce type. Also called: Spinocerebellar ataxia, autosomal recessive 8; ATAXIA, RECESSIVE, OF BEAUCE; SYNE1-Related Autosomal Recessive Cerebellar Ataxia; SYNE1 Deficiency. Identifiers: Orphanet 88644, MedGen C1853116, MONDO:0012549, OMIM 610743.

gnomAD v4.1: 3 of 1,613,798 alleles (0.00019%); highest among the groups gnomAD compares: East Asian, 0.0067%; no homozygotes.

Submission:

Labcorp Genetics (formerly Invitae), Labcorp
Classification: Uncertain significance for Emery-Dreifuss muscular dystrophy 4, autosomal dominant; Autosomal recessive ataxia, Beauce type. Last evaluated: 2024-03-27. Review status: criteria provided, single submitter. Criteria: Invitae Variant Classification Sherloc (09022015). Collection method: clinical testing. Allele origin: germline.
Comment: This sequence change replaces leucine, which is neutral and non-polar, with proline, which is neutral and non-polar, at codon 8188 of the SYNE1 protein (p.Leu8188Pro). This variant is present in population databases (rs776103819, gnomAD 0.02%). This variant has not been reported in the literature in individuals affected with SYNE1-related conditions. An algorithm developed to predict the effect of missense changes on protein structure and function (PolyPhen-2) suggests that this variant is likely to be disruptive. In summary, the available evidence is currently insufficient to determine the role of this variant in disease. Therefore, it has been classified as a Variant of Uncertain Significance.